The following is an entry in ClinVar:

NM_002936.6(RNASEH1):c.701C>G (p.Ala234Gly)

Gene: RNASEH1 (ribonuclease H1; minus strand). Cytogenetic location: 2p25.3.
Variant type: single nucleotide variant.
Coding change: c.701C>G on transcript NM_002936.6 (MANE Select); coding-DNA position 701, C replaced by G.
Protein change: p.Ala234Gly; replaces alanine 234 with glycine.
Molecular consequence: missense variant. On other transcripts: non-coding transcript variant (7).
Genome position (GRCh38, 1-based): chr2:3,548,004, G>C on the plus strand (C>G on the coding strand, the complement: RNASEH1 is on the minus strand). VCF-style: chr2-3548004-G-C. GRCh37 (hg19) VCF-style: chr2-3595594-G-C.
Other names: c.623C>G, p.Ala208Gly (NM_001286834.3); c.350C>G, p.Ala117Gly (NM_001286837.3); c.701C>G, p.Ala234Gly (NM_001378271.1); c.698C>G, p.Ala233Gly (NM_001378272.1); c.686C>G, p.Ala229Gly (NM_001378273.1); short protein forms A117G, A233G, A229G, A208G, A234G.
Identifiers: ClinVar variation 2850951 (VCV002850951.3), dbSNP rs952190729, ClinGen allele CA41520634.

ClinVar aggregate classification (germline): Uncertain significance (1 of 4 stars; one submission).

Allele frequency attached by ClinVar (database versions not stated): gnomAD exomes below 0.00001.
gnomAD v4.1: 8 of 1,613,526 alleles (0.0005%); highest among the groups gnomAD compares: Non-Finnish European, 0.00025%; no homozygotes.

Submission:

Labcorp Genetics (formerly Invitae), Labcorp
Classification: Uncertain significance. Last evaluated: 2023-04-11. Review status: criteria provided, single submitter. Criteria: Invitae Variant Classification Sherloc (09022015). Collection method: clinical testing. Allele origin: germline.
Comment: This variant is present in population databases (no rsID available, gnomAD 0.01%). In summary, the available evidence is currently insufficient to determine the role of this variant in disease. Therefore, it has been classified as a Variant of Uncertain Significance. Advanced modeling of protein sequence and biophysical properties (such as structural, functional, and spatial information, amino acid conservation, physicochemical variation, residue mobility, and thermodynamic stability) performed at Invitae indicates that this missense variant is not expected to disrupt RNASEH1 protein function. This variant has not been reported in the literature in individuals affected with RNASEH1-related conditions. This sequence change replaces alanine, which is neutral and non-polar, with glycine, which is neutral and non-polar, at codon 234 of the RNASEH1 protein (p.Ala234Gly).